The following is an entry in ClinVar:

NM_016579.4(CD320):c.302C>G (p.Pro101Arg)

Gene: CD320 (CD320 molecule; minus strand). Cytogenetic location: 19p13.2.
Variant type: single nucleotide variant.
Coding change: c.302C>G on transcript NM_016579.4 (MANE Select); coding-DNA position 302, C replaced by G.
Protein change: p.Pro101Arg; replaces proline 101 with arginine.
Molecular consequence: missense variant.
Genome position (GRCh38, 1-based): chr19:8,304,055, G>C on the plus strand (C>G on the coding strand, the complement: CD320 is on the minus strand). VCF-style: chr19-8304055-G-C. GRCh37 (hg19) VCF-style: chr19-8368939-G-C.
Other names: c.176C>G, p.Pro59Arg (NM_001165895.2); short protein forms P101R, P59R.
Identifiers: ClinVar variation 2106444 (VCV002106444.4), dbSNP rs1459500322, ClinGen allele CA403713844.

ClinVar aggregate classification (germline): Uncertain significance (1 of 4 stars; one submission).

Conditions:
Methylmalonic acidemia due to transcobalamin receptor defect (MATR). Also called: METHYLMALONIC ACIDURIA, TRANSIENT, DUE TO TRANSCOBALAMIN RECEPTOR DEFECT; METHYLMALONIC ACIDEMIA, TCblR TYPE. Identifiers: Orphanet 280183, MedGen C4749905, MONDO:0013341, OMIM 613646.

Submission:

Labcorp Genetics (formerly Invitae), Labcorp
Classification: Uncertain significance for Methylmalonic acidemia due to transcobalamin receptor defect. Last evaluated: 2022-05-25. Review status: criteria provided, single submitter. Criteria: Invitae Variant Classification Sherloc (09022015). Collection method: clinical testing. Allele origin: germline.
Comment: In summary, the available evidence is currently insufficient to determine the role of this variant in disease. Therefore, it has been classified as a Variant of Uncertain Significance. Algorithms developed to predict the effect of missense changes on protein structure and function (SIFT, PolyPhen-2, Align-GVGD) all suggest that this variant is likely to be tolerated. This variant has not been reported in the literature in individuals affected with CD320-related conditions. This variant is not present in population databases (gnomAD no frequency). This sequence change replaces proline, which is neutral and non-polar, with arginine, which is basic and polar, at codon 101 of the CD320 protein (p.Pro101Arg).